The following is an entry in ClinVar:

NM_000069.3(CACNA1S):c.4669-150C>T

Gene: CACNA1S (calcium voltage-gated channel subunit alpha1 S; minus strand). Cytogenetic location: 1q32.1.
Variant type: single nucleotide variant.
Coding change: c.4669-150C>T on transcript NM_000069.3 (MANE Select); 150 bases into the intron before coding-DNA position 4669, C replaced by T.
Molecular consequence: intron variant.
Genome position (GRCh38, 1-based): chr1:201,044,606, G>A on the plus strand (C>T on the coding strand, the complement: CACNA1S is on the minus strand). VCF-style: chr1-201044606-G-A. GRCh37 (hg19) VCF-style: chr1-201013734-G-A.
Identifiers: ClinVar variation 670375 (VCV000670375.1), dbSNP rs55861132, ClinGen allele CA10855048.
Genomic context (GRCh38, chr1:201,044,606, plus strand): 5'-TGTTGCCCAGGCTGGAGTGCAGTGGCACAATCTGAGCTCACTGTAACCTCTGCTTCCCGG[G>A]TTCAAGTGATTCTCCTGCCTCAGCCTCCTGAGTAGCTGGGATTATAGGCATGTGCCACCA-3'

ClinVar aggregate classification (germline): Benign (1 of 4 stars; one submission).

Allele frequency attached by ClinVar (database versions not stated): gnomAD exomes 0.13140; gnomAD 0.20268 and 0.20575; TOPMed 0.21161; 1000 Genomes Project 0.22404; 1000 Genomes Project 30x 0.22642.
gnomAD v4.1: 120,277 of 831,086 alleles (14%); highest among the groups gnomAD compares: African/African-American, 35%; 11,071 homozygotes.

Submission:

GeneDx
Classification: Benign. Last evaluated: 2018-06-19. Review status: criteria provided, single submitter. Criteria: GeneDx Variant Classification (06012015). Collection method: clinical testing. Allele origin: germline. Affected: yes.
Comment: This variant is considered likely benign or benign based on one or more of the following criteria: it is a conservative change, it occurs at a poorly conserved position in the protein, it is predicted to be benign by multiple in silico algorithms, and/or has population frequency not consistent with disease.